The following is an entry in ClinVar:

NM_144997.7(FLCN):c.109G>T (p.Asp37Tyr)

Gene: FLCN (folliculin; minus strand). Cytogenetic location: 17p11.2.
Variant type: single nucleotide variant.
Coding change: c.109G>T on transcript NM_144997.7 (MANE Select); coding-DNA position 109, G replaced by T.
Protein change: p.Asp37Tyr; replaces aspartic acid 37 with tyrosine.
Molecular consequence: missense variant.
Genome position (GRCh38, 1-based): chr17:17,228,029, C>A on the plus strand (G>T on the coding strand, the complement: FLCN is on the minus strand). VCF-style: chr17-17228029-C-A. GRCh37 (hg19) VCF-style: chr17-17131343-C-A.
Other names: c.109G>T, p.Asp37Tyr (NM_001353229.2, NM_001353230.2, NM_001353231.2 and 1 more transcripts); short protein forms D37Y.
Identifiers: ClinVar variation 3515660 (VCV003515660.1).
Genomic context (GRCh38, chr17:17,228,029, plus strand): 5'-GACTGTTCATCTGAATGCCACCTTCCTCTTCTTCCGCCTGCTCACCCTGGCCAGGACTGT[C>A]CTCATTCCCATCCCCTTGAGGAAGTGGGGCGTGCAGCACCTCCGTGCAGAAGAGAGTGCG-3'
Protein context (NP_659434.2, residues 27-47): APLPQGDGNE[Asp37Tyr]SPGQGEQAEE

ClinVar aggregate classification (germline): Uncertain significance (1 of 4 stars; one submission).

Conditions:
Hereditary cancer-predisposing syndrome. Also called: Tumor predisposition; Neoplastic Syndromes, Hereditary; Hereditary Cancer Syndrome; Hereditary neoplastic syndrome. Identifiers: Orphanet 140162, MedGen C0027672, MeSH D009386, MONDO:0015356.

Submission:

Ambry Genetics
Classification: Uncertain significance for Hereditary cancer-predisposing syndrome. Last evaluated: 2024-10-28. Review status: criteria provided, single submitter. Criteria: Ambry Variant Classification Scheme 2023. Collection method: clinical testing. Allele origin: germline.
Comment: The p.D37Y variant (also known as c.109G>T), located in coding exon 1 of the FLCN gene, results from a G to T substitution at nucleotide position 109. The aspartic acid at codon 37 is replaced by tyrosine, an amino acid with highly dissimilar properties. This amino acid position is conserved. In addition, the in silico prediction for this alteration is inconclusive. Based on the available evidence, the clinical significance of this variant remains unclear.